The following is an entry in ClinVar:

ClinVar aggregate classification (germline): Benign (1 of 4 stars; one submission).

Allele frequency attached by ClinVar (database versions not stated): 1000 Genomes Project 0.01857; TOPMed 0.02104; gnomAD 0.01915; 1000 Genomes Project 30x 0.02046.

Submission:

GeneDx
Classification: Benign. Last evaluated: 2018-06-14. Review status: criteria provided, single submitter. Criteria: GeneDx Variant Classification (06012015). Collection method: clinical testing. Allele origin: germline. Affected: yes.
Comment: This variant is considered likely benign or benign based on one or more of the following criteria: it is a conservative change, it occurs at a poorly conserved position in the protein, it is predicted to be benign by multiple in silico algorithms, and/or has population frequency not consistent with disease.

NM_018129.4(PNPO):c.546+155G>T

Gene: PNPO (pyridoxamine 5'-phosphate oxidase; plus strand). Cytogenetic location: 17q21.32.
Variant type: single nucleotide variant.
Coding change: c.546+155G>T on transcript NM_018129.4 (MANE Select); 155 bases into the intron after coding-DNA position 546, G replaced by T.
Molecular consequence: intron variant.
Genome position (GRCh38, 1-based): chr17:47,946,144, G>T. VCF-style: chr17-47946144-G-T. GRCh37 (hg19) VCF-style: chr17-46023510-G-T.
Identifiers: ClinVar variation 672757 (VCV000672757.1), dbSNP rs71377329, ClinGen allele CA291296715.
Genomic context (GRCh38, chr17:47,946,144, plus strand): 5'-GATGTCCTCTCTCTCCAGCCCAGTGAAAACAGTGAAAAGGACAGTGAGAAGGGAAAGTGG[G>T]GGTAGGGAGAGGGGAAATAGGCCTCCTCTGTCCATCTGGCCATCCTGTTGACTGCTCCTG-3'